The following is an entry in ClinVar:

ClinVar aggregate classification (germline): Uncertain significance (1 of 4 stars; one submission).

Allele frequency attached by ClinVar (database versions not stated): gnomAD exomes below 0.00001 and 0.00001.

Submission:

Labcorp Genetics (formerly Invitae), Labcorp
Classification: Uncertain significance. Last evaluated: 2022-02-10. Review status: criteria provided, single submitter. Criteria: Invitae Variant Classification Sherloc (09022015). Collection method: clinical testing. Allele origin: germline.
Comment: This sequence change creates a premature translational stop signal (p.Pro364Leufs*12) in the FAM65B gene. It is expected to result in an absent or disrupted protein product. However, the current clinical and genetic evidence is not sufficient to establish whether loss-of-function variants in FAM65B cause disease. This variant is present in population databases (no rsID available, gnomAD 0.002%). This variant has not been reported in the literature in individuals affected with FAM65B-related conditions. In summary, the available evidence is currently insufficient to determine the role of this variant in disease. Therefore, it has been classified as a Variant of Uncertain Significance.

NM_001286445.3(RIPOR2):c.1164+345del

Gene: RIPOR2 (RHO family interacting cell polarization regulator 2; minus strand). Cytogenetic location: 6p22.3.
Variant type: Deletion.
Coding change: c.1164+345del on transcript NM_001286445.3 (MANE Select); 345 bases into the intron after coding-DNA position 1164, one base deleted (T; older notation c.1164+345delT).
Molecular consequence: intron variant. On other transcripts: frameshift variant (1).
Genome position (GRCh38, 1-based): chr6:24,847,680, A deleted on the plus strand (T on the coding strand, the reverse complement: RIPOR2 is on the minus strand). VCF-style (leftmost placement, unchanged base first): chr6-24847679-GA-G. GRCh37 (hg19) VCF-style: chr6-24847907-GA-G.
Other names: c.1089del, p.Pro364fs (NM_014722.5); c.1077+345del (NM_001346031.2, NM_001346032.2, NM_015864.5 and 1 more transcripts); c.1179+345del (NM_001286446.3); short protein forms P364fs.
Identifiers: ClinVar variation 1680509 (VCV001680509.6), dbSNP rs1344388544, ClinGen allele CA565948082.